The following is an entry in ClinVar:

NM_000146.4(FTL):c.261A>C (p.Glu87Asp)

Gene: FTL (ferritin light chain; plus strand). Cytogenetic location: 19q13.33.
Variant type: single nucleotide variant.
Coding change: c.261A>C on transcript NM_000146.4 (MANE Select); coding-DNA position 261, A replaced by C.
Protein change: p.Glu87Asp; replaces glutamic acid 87 with aspartic acid.
Molecular consequence: missense variant.
Genome position (GRCh38, 1-based): chr19:48,966,292, A>C. VCF-style: chr19-48966292-A-C. GRCh37 (hg19) VCF-style: chr19-49469549-A-C.
Other names: short protein forms E87D.
Identifiers: ClinVar variation 1001552 (VCV001001552.10), dbSNP rs762786833, ClinGen allele CA9562527.

ClinVar aggregate classification (germline): Uncertain significance (1 of 4 stars; one submission).

Conditions:
Hereditary hyperferritinemia with congenital cataracts. Also called: HYPERFERRITINEMIA WITH OR WITHOUT CATARACT; Hereditary hyperferritinemia cataract syndrome; Bonneau-Beaumont syndrome. Identifiers: Orphanet 163, MedGen C1833213, MONDO:0010952, OMIM 600886.
Neuroferritinopathy (NBIA3). Also called: NEURODEGENERATION WITH BRAIN IRON ACCUMULATION 3; BASAL GANGLIA DISEASE, ADULT-ONSET. Identifiers: Orphanet 157846, MedGen C1853578, MONDO:0011638, OMIM 606159.

Allele frequency attached by ClinVar (database versions not stated): gnomAD exomes below 0.00001; TOPMed below 0.00001; ExAC 0.00001.
gnomAD v4.1: 3 of 1,614,120 alleles (0.00019%); highest among the groups gnomAD compares: Non-Finnish European, 0.00017%; no homozygotes.

Submission:

Labcorp Genetics (formerly Invitae), Labcorp
Classification: Uncertain significance for Neuroferritinopathy; Hereditary hyperferritinemia with congenital cataracts. Last evaluated: 2025-10-22. Review status: criteria provided, single submitter. Criteria: Invitae Variant Classification Sherloc (09022015). Collection method: clinical testing. Allele origin: germline.
Comment: This sequence change replaces glutamic acid, which is acidic and polar, with aspartic acid, which is acidic and polar, at codon 87 of the FTL protein (p.Glu87Asp). This variant is present in population databases (rs762786833, gnomAD 0.0009%). This variant has not been reported in the literature in individuals affected with FTL-related conditions. ClinVar contains an entry for this variant (Variation ID: 1001552). An algorithm developed to predict the effect of missense changes on protein structure and function (PolyPhen-2) suggests that this variant is likely to be tolerated. In summary, the available evidence is currently insufficient to determine the role of this variant in disease. Therefore, it has been classified as a Variant of Uncertain Significance.